The following is an entry in ClinVar:

NM_206933.4(USH2A):c.9583G>A (p.Gly3195Arg)

Gene: USH2A (usherin; minus strand). Cytogenetic location: 1q41.
Variant type: single nucleotide variant.
Coding change: c.9583G>A on transcript NM_206933.4 (MANE Select); coding-DNA position 9583, G replaced by A.
Protein change: p.Gly3195Arg; replaces glycine 3195 with arginine.
Molecular consequence: missense variant.
Genome position (GRCh38, 1-based): chr1:215,813,892, C>T on the plus strand (G>A on the coding strand, the complement: USH2A is on the minus strand). VCF-style: chr1-215813892-C-T. GRCh37 (hg19) VCF-style: chr1-215987234-C-T.
Other names: short protein forms G3195R.
Identifiers: ClinVar variation 967999 (VCV000967999.10), dbSNP rs149027999, ClinGen allele CA1394263.

ClinVar aggregate classification (germline): Uncertain significance. Review status: criteria provided, multiple submitters, no conflicts (2 of 4 stars). 6 submissions from 5 submitters: Uncertain significance (5). 1 of the submissions does not count toward it. Last evaluated 2024-10-15.

Conditions:
Retinitis pigmentosa 39 (RP39). Identifiers: Orphanet 791, MedGen C3151138, MONDO:0013436, OMIM 613809.
Usher syndrome type 2A. Also called: RETINAL DISEASE IN USHER SYNDROME TYPE IIA, MODIFIER OF; USHER SYNDROME, TYPE IIA. Identifiers: Orphanet 231178, Orphanet 886, MedGen C1848634, MONDO:0010169, OMIM 276901.
Inborn genetic diseases. Identifiers: MedGen C0950123, MeSH D030342.

Allele frequency attached by ClinVar (database versions not stated): gnomAD exomes 0.00001 and 0.00002; ExAC 0.00002; TOPMed 0.00002; gnomAD 0.00003; ESP Exome Variant Server 0.00008.
gnomAD v4.1: 28 of 1,613,440 alleles (0.0017%); highest among the groups gnomAD compares: African/African-American, 0.0027%; no homozygotes.

Submissions (6):

Blueprint Genetics
Classification: Uncertain significance. Last evaluated: 2024-10-15. Review status: criteria provided, single submitter. Criteria: ACMG Guidelines, 2015. Collection method: clinical testing. Allele origin: germline.

Labcorp Genetics (formerly Invitae), Labcorp
Classification: Uncertain significance. Last evaluated: 2024-03-04. Review status: criteria provided, single submitter. Criteria: Invitae Variant Classification Sherloc (09022015). Collection method: clinical testing. Allele origin: germline.
Comment: This sequence change replaces glycine, which is neutral and non-polar, with arginine, which is basic and polar, at codon 3195 of the USH2A protein (p.Gly3195Arg). This variant is present in population databases (rs149027999, gnomAD 0.003%). This variant has not been reported in the literature in individuals affected with USH2A-related conditions. ClinVar contains an entry for this variant (Variation ID: 967999). Advanced modeling of protein sequence and biophysical properties (such as structural, functional, and spatial information, amino acid conservation, physicochemical variation, residue mobility, and thermodynamic stability) has been performed at Invitae for this missense variant, however the output from this modeling did not meet the statistical confidence thresholds required to predict the impact of this variant on USH2A protein function. In summary, the available evidence is currently insufficient to determine the role of this variant in disease. Therefore, it has been classified as a Variant of Uncertain Significance.

Genome-Nilou Lab
Classification: Uncertain significance for Retinitis pigmentosa 39. Last evaluated: 2023-11-04. Review status: criteria provided, single submitter. Criteria: ACMG Guidelines, 2015. Collection method: clinical testing. Allele origin: germline. Affected: no.

Genome-Nilou Lab
Classification: Uncertain significance for Usher syndrome type 2A. Last evaluated: 2023-11-04. Review status: criteria provided, single submitter. Criteria: ACMG Guidelines, 2015. Collection method: clinical testing. Allele origin: germline. Affected: no.

Ambry Genetics
Classification: Uncertain significance for Inborn genetic diseases. Last evaluated: 2023-06-27. Review status: criteria provided, single submitter. Criteria: Ambry Variant Classification Scheme 2023. Collection method: clinical testing. Allele origin: germline.

Natera, Inc.
Classification: Uncertain significance for Usher syndrome type 2A. Last evaluated: 2020-03-29. Review status: no assertion criteria provided. Collection method: clinical testing. Allele origin: germline. Not counted in ClinVar's aggregate classification.